The following is an entry in ClinVar:

ClinVar aggregate classification (germline): Uncertain significance (1 of 4 stars; one submission).

Conditions:
Cardiomyopathy, familial hypertrophic, 28. Identifiers: MedGen C5543616, MONDO:0030317, OMIM 619402.

gnomAD v4.1: 7 of 1,535,858 alleles (0.00046%); highest among the groups gnomAD compares: Non-Finnish European, 0.00061%; no homozygotes.

Submission:

Victorian Clinical Genetics Services, Murdoch Childrens Research Institute
Classification: Uncertain significance for Cardiomyopathy, familial hypertrophic, 28. Last evaluated: 2022-02-02. Review status: criteria provided, single submitter. Criteria: ACMG Guidelines, 2015. Collection method: clinical testing. Allele origin: germline. Inheritance: Autosomal dominant inheritance. Affected: yes.
Comment: Based on the classification scheme VCGS_Germline_v1.3.4, this variant is classified as VUS-3B. Following criteria are met: 0105 - The mechanism of disease for this gene is not clearly established. However, dominant negative has been suggested for a single missense variant (PMID: 24088304). (I) 0107 - This gene is associated with autosomal dominant disease. (I) 0200 - Variant is predicted to result in a missense amino acid change from aspartic acid to glycine. (I) 0251 - This variant is heterozygous. (I) 0301 - Variant is absent from gnomAD (both v2 and v3). (SP) 0502 - Missense variant with conflicting in silico predictions and uninformative conservation. (I) 0604 - Variant is not located in an established domain, motif, hotspot or informative constraint region. (I) 0705 - No comparable missense variants have previous evidence for pathogenicity. (I) 0807 - This variant has no previous evidence of pathogenicity. (I) 0905 - No published segregation evidence has been identified for this variant. (I) 1007 - No published functional evidence has been identified for this variant. (I) 1208 - Inheritance information for this variant is not currently available in this individual. (I) Legend: (SP) - Supporting pathogenic, (I) - Information, (SB) - Supporting benign

Literature cited by the submitters: PubMed 24088304.

NM_001281740.3(FHOD3):c.4430A>G (p.Asp1477Gly)

Gene: FHOD3 (formin homology 2 domain containing 3; plus strand). Cytogenetic location: 18q12.2.
Variant type: single nucleotide variant.
Coding change: c.4430A>G on transcript NM_001281740.3 (MANE Select); coding-DNA position 4430, A replaced by G.
Protein change: p.Asp1477Gly; replaces aspartic acid 1477 with glycine.
Molecular consequence: missense variant. On other transcripts: intron variant (2).
Genome position (GRCh38, 1-based): chr18:36,759,122, A>G. VCF-style: chr18-36759122-A-G. GRCh37 (hg19) VCF-style: chr18-34339085-A-G.
Other names: c.3901-1486A>G (NM_025135.5); c.3850-1486A>G (NM_001281739.3); short protein forms D1477G.
Identifiers: ClinVar variation 1805091 (VCV001805091.1), dbSNP rs2522287078, ClinGen allele CA402227326.